The following is an entry in ClinVar:

ClinVar aggregate classification (germline): Benign/Likely benign. Review status: criteria provided, multiple submitters, no conflicts (2 of 4 stars). 7 submissions from 7 submitters: Benign (4); Likely benign (2). 1 of the submissions does not count toward it. Last evaluated 2026-01-27.

Conditions:
COL4A2-related disorder. Also called: COL4A2-related disorders; COL4A2-related condition.
Brain small vessel disease 2A, autosomal dominant. Also called: Porencephaly 2. Identifiers: Orphanet 2940, Orphanet 99810, MedGen C3280970, MONDO:0013773, OMIM 614483.

Allele frequency attached by ClinVar (database versions not stated): gnomAD exomes 0.00042 and 0.00112; ExAC 0.00133; 1000 Genomes Project 0.00379; 1000 Genomes Project 30x 0.00390; ESP Exome Variant Server 0.00423; gnomAD 0.00423 and 0.00459; TOPMed 0.00516.
gnomAD v4.1: 1,278 of 1,614,156 alleles (0.079%); highest among the groups gnomAD compares: African/African-American, 1.5%; 8 homozygotes.

Submissions (7):

Labcorp Genetics (formerly Invitae), Labcorp
Classification: Benign. Last evaluated: 2026-01-27. Review status: criteria provided, single submitter. Criteria: Invitae Variant Classification Sherloc (09022015). Collection method: clinical testing. Allele origin: germline.

CeGaT Center for Human Genetics Tuebingen
Classification: Benign. Last evaluated: 2024-06-01. Review status: criteria provided, single submitter. Criteria: CeGaT Center For Human Genetics Tuebingen Variant Classification Criteria Version 2. Collection method: clinical testing. Allele origin: germline. Affected: yes. Observed: 1 variant allele.
Comment: COL4A2: BP4, BP7, BS1, BS2

Mayo Clinic Laboratories, Mayo Clinic
Classification: Benign. Last evaluated: 2024-02-29. Review status: criteria provided, single submitter. Criteria: ACMG Guidelines, 2015. Collection method: clinical testing. Allele origin: germline. Observed: 6 variant alleles.
Comment: BS1, BS2, BP4, BP7

GeneDx
Classification: Likely benign. Last evaluated: 2018-10-27. Review status: criteria provided, single submitter. Criteria: GeneDx Variant Classification Process June 2021. Collection method: clinical testing. Allele origin: germline. Affected: yes.

Illumina Laboratory Services, Illumina
Classification: Benign for Brain small vessel disease 2A, autosomal dominant. Last evaluated: 2018-01-13. Review status: criteria provided, single submitter. Criteria: ICSL Variant Classification Criteria 13 December 2019. Collection method: clinical testing. Allele origin: germline.
Comment: This variant was observed in the ICSL laboratory as part of a predisposition screen in an ostensibly healthy population. It had not been previously curated by ICSL or reported in the Human Gene Mutation Database (HGMD: prior to June 1st, 2018), and was therefore a candidate for classification through an automated scoring system. Utilizing variant allele frequency, disease prevalence and penetrance estimates, and inheritance mode, an automated score was calculated to assess if this variant is too frequent to cause the disease. Based on the score and internal cut-off values, a variant classified as benign is not then subjected to further curation. The score for this variant resulted in a classification of benign for this disease.

Breakthrough Genomics
Classification: Likely benign. Review status: criteria provided, single submitter. Criteria: ACMG Guidelines, 2015. Collection method: not provided. Allele origin: germline. Inheritance: Autosomal dominant inheritance. Affected: yes.

PreventionGenetics, part of Exact Sciences
Classification: Benign for COL4A2-related condition. Last evaluated: 2021-09-01. Review status: no assertion criteria provided. Collection method: clinical testing. Allele origin: germline. Not counted in ClinVar's aggregate classification.
Comment: This variant is classified as benign based on ACMG/AMP sequence variant interpretation guidelines (Richards et al. 2015 PMID: 25741868, with internal and published modifications).

NM_001846.4(COL4A2):c.3642C>T (p.Asp1214=)

Gene: COL4A2 (collagen type IV alpha 2 chain; plus strand). Cytogenetic location: 13q34.
Variant type: single nucleotide variant.
Coding change: c.3642C>T on transcript NM_001846.4 (MANE Select); coding-DNA position 3642, C replaced by T.
Protein change: p.Asp1214=; no amino-acid change (aspartic acid 1214 retained).
Molecular consequence: synonymous variant.
Genome position (GRCh38, 1-based): chr13:110,495,349, C>T. VCF-style: chr13-110495349-C-T. GRCh37 (hg19) VCF-style: chr13-111147696-C-T.
Other names: p.Asp1214=.
Identifiers: ClinVar variation 311167 (VCV000311167.38), dbSNP rs115373326, ClinGen allele CA7050292.